The following is an entry in ClinVar:

ClinVar aggregate classification (germline): Uncertain significance (1 of 4 stars; one submission).

Conditions:
Ehlers-Danlos syndrome, classic type (cEDS). Identifiers: Orphanet 287, MedGen C4225429, MONDO:0007522.

Submission:

Labcorp Genetics (formerly Invitae), Labcorp
Classification: Uncertain significance for Ehlers-Danlos syndrome, type 1. Last evaluated: 2019-03-19. Review status: criteria provided, single submitter. Criteria: Invitae Variant Classification Sherloc (09022015). Collection method: clinical testing. Allele origin: germline.
Comment: This variant is a gross deletion of the genomic region encompassing exon 66 of the COL5A1 gene. The 5' boundary is likely confined to intron 65. The 3' end of this event is unknown as it extends through the termination codon beyond the assayed region for this gene and may encompass additional genes. While this deletion is not anticipated to result in nonsense mediated decay, it is expected to create a truncated protein product or disrupt mRNA translation. This variant has not been reported in the literature in individuals with COL5A1-related disease. In summary, the available evidence is currently insufficient to determine the role of this variant in disease. Therefore, it has been classified as a Variant of Uncertain Significance.

NC_000009.12:g.(?_134842137)_(134842323_?)del

Genes: COL5A1 (collagen type V alpha 1 chain; plus strand), LOC101448202 (uncharacterized LOC101448202; minus strand). Cytogenetic location: 9q34.3.
Variant type: Deletion.
Identifiers: ClinVar variation 529306 (VCV000529306.5).